The following is an entry in ClinVar:

ClinVar aggregate classification (germline): Likely benign. Review status: criteria provided, multiple submitters, no conflicts (2 of 4 stars). 2 submissions from 2 submitters: Likely benign (2). Last evaluated 2026-07-01.

gnomAD v4.1: 60 of 1,563,288 alleles (0.0038%); highest among the groups gnomAD compares: Admixed American, 0.0055%; no homozygotes.

Submissions (2):

CeGaT Center for Human Genetics Tuebingen
Classification: Likely benign. Last evaluated: 2026-07-01. Review status: criteria provided, single submitter. Criteria: CeGaT Center For Human Genetics Tuebingen Variant Classification Criteria Version 2. Collection method: clinical testing. Allele origin: germline. Affected: yes. Observed: 1 variant allele.
Comment: ZMIZ1: BP4, BP7

Labcorp Genetics (formerly Invitae), Labcorp
Classification: Likely benign. Last evaluated: 2025-06-16. Review status: criteria provided, single submitter. Criteria: Invitae Variant Classification Sherloc (09022015). Collection method: clinical testing. Allele origin: germline.

NM_020338.4(ZMIZ1):c.1044C>T (p.Pro348=)

Gene: ZMIZ1 (zinc finger MIZ-type containing 1; plus strand). Cytogenetic location: 10q22.3.
Variant type: single nucleotide variant.
Coding change: c.1044C>T on transcript NM_020338.4 (MANE Select); coding-DNA position 1044, C replaced by T.
Protein change: p.Pro348=; no amino-acid change (proline 348 retained).
Molecular consequence: synonymous variant.
Genome position (GRCh38, 1-based): chr10:79,293,467, C>T. VCF-style: chr10-79293467-C-T. GRCh37 (hg19) VCF-style: chr10-81053224-C-T.
Identifiers: ClinVar variation 2162756 (VCV002162756.5), dbSNP rs775562721, ClinGen allele CA5572520.
Genomic context (GRCh38, chr10:79,293,467, plus strand): 5'-CCAATTCATGAACCAGCCCGGGCCGCGGGGGCCTGCCTCCATGGGGGGCAGCATGAACCC[C>T]GCGAGCATGGCGGCTGGCATGACGCCCTCGGGGATGAGCGGCCCTCCCATGGGCATGAAC-3'
Protein context (NP_065071.1, residues 338-358): GPASMGGSMN[Pro348=]ASMAAGMTPS